The following is an entry in ClinVar:

ClinVar aggregate classification (germline): Pathogenic. Review status: criteria provided, multiple submitters, no conflicts (2 of 4 stars). 2 submissions from 2 submitters: Pathogenic (2). Last evaluated 2023-07-31.

Conditions:
Severe myoclonic epilepsy in infancy (DRVT). Also called: DEVELOPMENTAL AND EPILEPTIC ENCEPHALOPATHY 6A; Severe Myoclonic Epilepsy in Infancy (SMEI); Dravet syndrome; Epileptic encephalopathy, early infantile, 6 (Dravet syndrome); SEVERE MYOCLONIC EPILEPSY OF INFANCY. Identifiers: Orphanet 33069, MedGen C0751122, MONDO:0100135, OMIM 607208.
Early-infantile DEE. Also called: Early infantile epileptic encephalopathy; Ohtahara syndrome; Early infantile epileptic encephalopathy with suppression bursts. Identifiers: Orphanet 1934, MedGen C0393706, MONDO:0800491.

Submissions (2):

Labcorp Genetics (formerly Invitae), Labcorp
Classification: Pathogenic for Early-infantile DEE. Last evaluated: 2023-07-31. Review status: criteria provided, single submitter. Criteria: Invitae Variant Classification Sherloc (09022015). Collection method: clinical testing. Allele origin: germline.
Comment: This sequence change creates a premature translational stop signal (p.Gln711*) in the SCN1A gene. It is expected to result in an absent or disrupted protein product. Loss-of-function variants in SCN1A are known to be pathogenic (PMID: 17347258, 18930999). This variant is not present in population databases (gnomAD no frequency). This premature translational stop signal has been observed in individual(s) with Dravet syndrome (PMID: 25459968). ClinVar contains an entry for this variant (Variation ID: 801808). Algorithms developed to predict the effect of sequence changes on RNA splicing suggest that this variant may disrupt the consensus splice site. For these reasons, this variant has been classified as Pathogenic.

Mendelics
Classification: Pathogenic for Severe myoclonic epilepsy in infancy. Last evaluated: 2019-05-28. Review status: criteria provided, single submitter. Criteria: Mendelics Assertion Criteria 2017. Collection method: clinical testing. Allele origin: unknown.

Literature cited by the submitters: PubMed 17347258 (cited by Labcorp Genetics (formerly Invitae), Labcorp); PubMed 18930999 (cited by Labcorp Genetics (formerly Invitae), Labcorp); PubMed 25459968 (cited by Labcorp Genetics (formerly Invitae), Labcorp).

NM_001165963.4(SCN1A):c.2131C>T (p.Gln711Ter)

Gene: SCN1A (sodium voltage-gated channel alpha subunit 1; minus strand). Cytogenetic location: 2q24.3.
Variant type: single nucleotide variant.
Coding change: c.2131C>T on transcript NM_001165963.4 (MANE Select); coding-DNA position 2131, C replaced by T.
Protein change: p.Gln711Ter; replaces glutamine 711 with a stop codon.
Molecular consequence: nonsense. On other transcripts: 5 prime UTR variant (1), non-coding transcript variant (1).
Genome position (GRCh38, 1-based): chr2:166,042,337, G>A on the plus strand (C>T on the coding strand, the complement: SCN1A is on the minus strand). VCF-style: chr2-166042337-G-A. GRCh37 (hg19) VCF-style: chr2-166898847-G-A.
Other names: c.2047C>T, p.Gln683Ter (NM_001165964.3, NM_001353957.2, NM_001353958.2); c.2131C>T, p.Gln711Ter (NM_001202435.3, NM_001353948.2); c.2098C>T, p.Gln700Ter (NM_001353949.2, NM_001353950.2, NM_001353951.2 and 2 more transcripts); c.2095C>T, p.Gln699Ter (NM_001353954.2, NM_001353955.2); c.2044C>T, p.Gln682Ter (NM_001353960.2); c.-328C>T (NM_001353961.2); short protein forms Q682*, Q683*, Q700*, Q699*, Q711*.
Identifiers: ClinVar variation 801808 (VCV000801808.9), dbSNP rs1574209023, ClinGen allele CA349065788.